The following is an entry in ClinVar:

ClinVar aggregate classification (germline): Benign/Likely benign. Review status: criteria provided, multiple submitters, no conflicts (2 of 4 stars). 24 submissions from 17 submitters: Benign (17); Likely benign (3). 4 of the submissions do not count toward it. Last evaluated 2026-02-03.

Conditions:
Cardiovascular phenotype. Identifiers: MedGen CN230736.
Dilated cardiomyopathy 1G (CMD1G). Identifiers: Orphanet 154, MedGen C1858763, MONDO:0011400, OMIM 604145.
Autosomal recessive limb-girdle muscular dystrophy type 2J (LGMDR10). Also called: Limb-girdle muscular dystrophy, type 2J; MUSCULAR DYSTROPHY, LIMB-GIRDLE, AUTOSOMAL RECESSIVE 10. Identifiers: Orphanet 140922, MedGen C1837342, MONDO:0012127, OMIM 608807.
Cardiomyopathy (CMYO). Also called: Cardiomyopathies. Identifiers: Orphanet 167848, MedGen C0878544, MONDO:0004994, HP:0001638. Inheritance: Various modes of inheritance.
Early-onset myopathy with fatal cardiomyopathy (CMYO5). Also called: CONGENITAL MYOPATHY 5 WITH CARDIOMYOPATHY; Salih Myopathy. Identifiers: Orphanet 289377, MedGen C2673677, MONDO:0012714, OMIM 611705. Disease mechanism: loss of function.
Myopathy, myofibrillar, 9, with early respiratory failure (MFM9). Also called: MYOPATHY, PROXIMAL, WITH EARLY RESPIRATORY MUSCLE INVOLVEMENT; Myopathy, distal, with early respiratory failure, autosomal dominant; Hereditary myopathy with early respiratory failure; EDSTROM MYOPATHY. Identifiers: Orphanet 178464, Orphanet 34521, MedGen C1863599, MONDO:0011362, OMIM 603689.
Tibial muscular dystrophy (TMD). Also called: Tibial muscular dystrophy, tardive; UDD MYOPATHY; Udd Distal Myopathy – Tibial Muscular Dystrophy. Identifiers: Orphanet 609, MedGen C1838244, MONDO:0010870, OMIM 600334.

Allele frequency attached by ClinVar (database versions not stated): gnomAD exomes 0.00133 and 0.00346; ExAC 0.00415; 1000 Genomes Project 0.01158; 1000 Genomes Project 30x 0.01234; gnomAD 0.01461 and 0.01577; ESP Exome Variant Server 0.01505; TOPMed 0.01611.
gnomAD v4.1: 4,205 of 1,613,204 alleles (0.26%); highest among the groups gnomAD compares: African/African-American, 5.1%; 115 homozygotes.

Submissions (24):

Labcorp Genetics (formerly Invitae), Labcorp
Classification: Benign for Dilated cardiomyopathy 1G; Autosomal recessive limb-girdle muscular dystrophy type 2J. Last evaluated: 2026-02-03. Review status: criteria provided, single submitter. Criteria: Invitae Variant Classification Sherloc (09022015). Collection method: clinical testing. Allele origin: germline.

ARUP Laboratories, Molecular Genetics and Genomics, ARUP Laboratories
Classification: Benign. Last evaluated: 2025-05-14. Review status: criteria provided, single submitter. Criteria: ARUP Molecular Germline Variant Investigation Process 2024. Collection method: clinical testing. Allele origin: germline.

Molecular Diagnostic Laboratory for Inherited Cardiovascular Disease, Montreal Heart Institute
Classification: Benign. Last evaluated: 2025-04-09. Review status: criteria provided, single submitter. Criteria: ACMG Guidelines, 2015. Collection method: clinical testing. Allele origin: germline. Affected: no.

Athena Diagnostics
Classification: Benign. Last evaluated: 2024-10-31. Review status: criteria provided, single submitter. Criteria: Athena Diagnostics Criteria. Collection method: clinical testing. Allele origin: unknown.

Genome-Nilou Lab
Classification: Benign for Autosomal recessive limb-girdle muscular dystrophy type 2J. Last evaluated: 2021-09-10. Review status: criteria provided, single submitter. Criteria: ACMG Guidelines, 2015. Collection method: clinical testing. Allele origin: germline. Affected: no.

Genome-Nilou Lab
Classification: Benign for Myopathy, myofibrillar, 9, with early respiratory failure. Last evaluated: 2021-09-10. Review status: criteria provided, single submitter. Criteria: ACMG Guidelines, 2015. Collection method: clinical testing. Allele origin: germline. Affected: no.

Genome-Nilou Lab
Classification: Benign for Early-onset myopathy with fatal cardiomyopathy. Last evaluated: 2021-09-10. Review status: criteria provided, single submitter. Criteria: ACMG Guidelines, 2015. Collection method: clinical testing. Allele origin: germline. Affected: no.

Genome-Nilou Lab
Classification: Benign for Tibial muscular dystrophy. Last evaluated: 2021-09-10. Review status: criteria provided, single submitter. Criteria: ACMG Guidelines, 2015. Collection method: clinical testing. Allele origin: germline. Affected: no.

Women's Health and Genetics/Laboratory Corporation of America, LabCorp
Classification: Benign. Last evaluated: 2020-05-10. Review status: criteria provided, single submitter. Criteria: LabCorp Variant Classification Summary - May 2015. Collection method: clinical testing. Allele origin: germline.

Mayo Clinic Laboratories, Mayo Clinic
Classification: Benign. Last evaluated: 2019-07-25. Review status: criteria provided, single submitter. Criteria: ACMG Guidelines, 2015. Collection method: clinical testing. Allele origin: germline. Observed: 20 variant alleles.

Illumina Laboratory Services, Illumina
Classification: Benign for Early-onset myopathy with fatal cardiomyopathy. Last evaluated: 2018-01-13. Review status: criteria provided, single submitter. Criteria: ICSL Variant Classification Criteria 13 December 2019. Collection method: clinical testing. Allele origin: germline.
Comment: This variant was observed in the ICSL laboratory as part of a predisposition screen in an ostensibly healthy population. It had not been previously curated by ICSL or reported in the Human Gene Mutation Database (HGMD: prior to June 1st, 2018), and was therefore a candidate for classification through an automated scoring system. Utilizing variant allele frequency, disease prevalence and penetrance estimates, and inheritance mode, an automated score was calculated to assess if this variant is too frequent to cause the disease. Based on the score and internal cut-off values, a variant classified as benign is not then subjected to further curation. The score for this variant resulted in a classification of benign for this disease.

Illumina Laboratory Services, Illumina
Classification: Likely benign for Dilated cardiomyopathy 1G. Last evaluated: 2018-01-13. Review status: criteria provided, single submitter. Criteria: ICSL Variant Classification Criteria 13 December 2019. Collection method: clinical testing. Allele origin: germline.
Comment: This variant was observed in the ICSL laboratory as part of a predisposition screen in an ostensibly healthy population. It had not been previously curated by ICSL or reported in the Human Gene Mutation Database (HGMD: prior to June 1st, 2018), and was therefore a candidate for classification through an automated scoring system. Utilizing variant allele frequency, disease prevalence and penetrance estimates, and inheritance mode, an automated score was calculated to assess if this variant is too frequent to cause the disease. Based on the score and internal cut-off values, a variant classified as likely benign is not then subjected to further curation. The score for this variant resulted in a classification of likely benign for this disease.

Illumina Laboratory Services, Illumina
Classification: Benign for Myopathy, myofibrillar, 9, with early respiratory failure. Last evaluated: 2018-01-13. Review status: criteria provided, single submitter. Criteria: ICSL Variant Classification Criteria 13 December 2019. Collection method: clinical testing. Allele origin: germline.
Comment: the same text as in the submission from Illumina Laboratory Services, Illumina above.

Illumina Laboratory Services, Illumina
Classification: Benign for Tibial muscular dystrophy. Last evaluated: 2018-01-13. Review status: criteria provided, single submitter. Criteria: ICSL Variant Classification Criteria 13 December 2019. Collection method: clinical testing. Allele origin: germline.
Comment: the same text as in the submission from Illumina Laboratory Services, Illumina above.

Illumina Laboratory Services, Illumina
Classification: Benign for Autosomal recessive limb-girdle muscular dystrophy type 2J. Last evaluated: 2018-01-13. Review status: criteria provided, single submitter. Criteria: ICSL Variant Classification Criteria 13 December 2019. Collection method: clinical testing. Allele origin: germline.
Comment: the same text as in the submission from Illumina Laboratory Services, Illumina above.

CHEO Genetics Diagnostic Laboratory, Children's Hospital of Eastern Ontario
Classification: Likely benign for Cardiomyopathy. Last evaluated: 2015-10-23. Review status: criteria provided, single submitter. Criteria: ACMG Guidelines, 2015. Collection method: clinical testing. Allele origin: germline. Study: Canadian Open Genetics Repository.

GeneDx
Classification: Benign. Last evaluated: 2014-03-27. Review status: criteria provided, single submitter. Criteria: GeneDx Variant Classification (06012015). Collection method: clinical testing. Allele origin: germline. Affected: yes.
Comment: This variant is considered likely benign or benign based on one or more of the following criteria: it is a conservative change, it occurs at a poorly conserved position in the protein, it is predicted to be benign by multiple in silico algorithms, and/or has population frequency not consistent with disease.

Ambry Genetics
Classification: Benign for Cardiovascular phenotype. Last evaluated: 2012-11-05. Review status: criteria provided, single submitter. Criteria: Ambry Autosomal Dominant and X-Linked criteria (10/2015). Collection method: clinical testing. Allele origin: germline. Observed: 1 variant allele.

Laboratory for Molecular Medicine, Mass General Brigham Personalized Medicine
Classification: Benign. Last evaluated: 2012-07-06. Review status: criteria provided, single submitter. Criteria: LMM Criteria. Collection method: clinical testing. Allele origin: germline. Observed: 26 variant alleles.
Comment: 4.7% (178/3778) in Afr Amer chrom from ESP

Breakthrough Genomics
Classification: Likely benign. Review status: criteria provided, single submitter. Criteria: ACMG Guidelines, 2015. Collection method: not provided. Allele origin: germline. Inheritance: Autosomal recessive inheritance. Affected: yes.

Clinical Genetics DNA and cytogenetics Diagnostics Lab, Erasmus MC, Erasmus Medical Center
Classification: Benign. Review status: no assertion criteria provided. Collection method: clinical testing. Allele origin: germline. Affected: yes. Study: VKGL Data-share Consensus. Not counted in ClinVar's aggregate classification.

Clinical Genetics, Academic Medical Center
Classification: Benign. Review status: no assertion criteria provided. Collection method: clinical testing. Allele origin: germline. Affected: yes. Study: VKGL Data-share Consensus. Not counted in ClinVar's aggregate classification.

Diagnostic Laboratory, Department of Genetics, University Medical Center Groningen
Classification: Likely benign. Review status: no assertion criteria provided. Collection method: clinical testing. Allele origin: germline. Affected: yes. Study: VKGL Data-share Consensus. Not counted in ClinVar's aggregate classification.

Joint Genome Diagnostic Labs from Nijmegen and Maastricht, Radboudumc and MUMC+
Classification: Benign. Review status: no assertion criteria provided. Collection method: clinical testing. Allele origin: germline. Affected: yes. Study: VKGL Data-share Consensus. Not counted in ClinVar's aggregate classification.

NM_001267550.2(TTN):c.62178T>C (p.Thr20726=)

Genes: TTN (titin; minus strand), TTN-AS1 (TTN antisense RNA 1; plus strand). Cytogenetic location: 2q31.2.
Variant type: single nucleotide variant.
Coding change: c.62178T>C on transcript NM_001267550.2 (MANE Select); coding-DNA position 62178, T replaced by C.
Protein change: p.Thr20726=; no amino-acid change (threonine 20726 retained).
Molecular consequence: synonymous variant.
Genome position (GRCh38, 1-based): chr2:178,589,547, A>G on the plus strand (T>C on the coding strand, the complement: TTN is on the minus strand). VCF-style: chr2-178589547-A-G. GRCh37 (hg19) VCF-style: chr2-179454274-A-G.
Other names: p.T19085T:ACT>ACC; p.Thr18158=; c.57255T>C, p.Thr19085= (NM_001256850.1); c.54474T>C, p.Thr18158= (NM_133378.4); c.34983T>C, p.Thr11661= (NM_003319.4); c.35358T>C, p.Thr11786= (NM_133432.3); c.35559T>C, p.Thr11853= (NM_133437.4).
Identifiers: ClinVar variation 47180 (VCV000047180.49), dbSNP rs72646847, ClinGen allele CA283560.